The following is an entry in ClinVar:

ClinVar aggregate classification (germline): Uncertain significance (1 of 4 stars; one submission).

Submission:

Labcorp Genetics (formerly Invitae), Labcorp
Classification: Uncertain significance. Last evaluated: 2025-10-24. Review status: criteria provided, single submitter. Criteria: Invitae Variant Classification Sherloc (09022015). Collection method: clinical testing. Allele origin: germline.
Comment: This sequence change replaces proline, which is neutral and non-polar, with leucine, which is neutral and non-polar, at codon 759 of the BRD4 protein (p.Pro759Leu). This variant is present in population databases (rs767979123, gnomAD 0.008%). This variant has not been reported in the literature in individuals affected with BRD4-related conditions. An algorithm developed to predict the effect of missense changes on protein structure and function (PolyPhen-2) suggests that this variant is likely to be disruptive. In summary, the available evidence is currently insufficient to determine the role of this variant in disease. Therefore, it has been classified as a Variant of Uncertain Significance.

NM_001379291.1(BRD4):c.2276C>T (p.Pro759Leu)

Gene: BRD4 (bromodomain containing 4; minus strand). Cytogenetic location: 19p13.12.
Variant type: single nucleotide variant.
Coding change: c.2276C>T on transcript NM_001379291.1 (MANE Select); coding-DNA position 2276, C replaced by T.
Protein change: p.Pro759Leu; replaces proline 759 with leucine.
Molecular consequence: missense variant.
Genome position (GRCh38, 1-based): chr19:15,244,536, G>A on the plus strand (C>T on the coding strand, the complement: BRD4 is on the minus strand). VCF-style: chr19-15244536-G-A. GRCh37 (hg19) VCF-style: chr19-15355347-G-A.
Other names: c.2276C>T, p.Pro759Leu (NM_058243.3); short protein forms P759L.
Identifiers: ClinVar variation 4781309 (VCV004781309.1).
Genomic context (GRCh38, chr19:15,244,536, plus strand): 5'-GGGGGTGGCGGCTGCTGTTGCTGCTGCGGAGGTGGAGGCGGTGGGGGCTGCTGGGGAGGC[G>A]GGGGCGGCTGCTGGGGCACAGGAGCCGGGGCCTGCTGCATCTGCTGATGGTGGTGATGAT-3'
Protein context (NP_001366220.1, residues 749-769): APAPVPQQPP[Pro759Leu]PPQQPPPPPP